The following is an entry in ClinVar:

NM_198506.5(LRIT3):c.20_30del (p.Leu7fs)

Gene: LRIT3 (leucine rich repeat, Ig-like and transmembrane domains 3; plus strand). Cytogenetic location: 4q25.
Variant type: Deletion.
Coding change: c.20_30del on transcript NM_198506.5 (MANE Select); coding-DNA positions 20 to 30, 11 bases deleted (TGTGCATTGTC).
Protein change: p.Leu7fs; shifts the reading frame from leucine 7.
Molecular consequence: frameshift variant.
Genome position (GRCh38, 1-based): chr4:109,848,221-109,848,231, TGTGCATTGTC deleted; deleting any 11 consecutive bases within chr4:109,848,217-109,848,231 gives the same sequence; the c. name uses the placement nearest the transcript's 3' end. VCF-style (leftmost placement, unchanged base first): chr4-109848216-ATGTCTGTGCAT-A. GRCh37 (hg19) VCF-style: chr4-110769372-ATGTCTGTGCAT-A.
Other names: short protein forms L7fs.
Identifiers: ClinVar variation 2098813 (VCV002098813.1), dbSNP rs939705419, ClinGen allele CA103728397.
Genomic context (GRCh38, chr4:109,848,216, plus strand): 5'-AGGATTCGGTTTTTACCTTTTGTTTAAATAACCTCTAAAAGGAGCAATGCATCTCTTTGC[ATGTCTGTGCAT>A]TGTCCTTAGCTTTTTGGAAGGAGTGGGCTGTTTGTGTCCTTCACAGTGCACCTGTGATTA-3'

ClinVar aggregate classification (germline): Uncertain significance (1 of 4 stars; one submission).

Submission:

Labcorp Genetics (formerly Invitae), Labcorp
Classification: Uncertain significance. Last evaluated: 2022-02-18. Review status: criteria provided, single submitter. Criteria: Invitae Variant Classification Sherloc (09022015). Collection method: clinical testing. Allele origin: germline.
Comment: This sequence change creates a premature translational stop signal (p.Leu7Profs*2) in the LRIT3 gene. It is expected to result in an absent or disrupted protein product. However, the current clinical and genetic evidence is not sufficient to establish whether loss-of-function variants in LRIT3 cause disease. This variant is present in population databases (no rsID available, gnomAD 0.01%). This variant has not been reported in the literature in individuals affected with LRIT3-related conditions. Experimental studies and prediction algorithms are not available or were not evaluated, and the functional significance of this variant is currently unknown. In summary, the available evidence is currently insufficient to determine the role of this variant in disease. Therefore, it has been classified as a Variant of Uncertain Significance.